The following is an entry in ClinVar:

ClinVar aggregate classification (germline): Uncertain significance (1 of 4 stars; one submission).

Conditions:
Tuberous sclerosis 2 (TSC2). Identifiers: Orphanet 805, MedGen C1860707, MONDO:0013199, OMIM 613254.

Submission:

Victorian Clinical Genetics Services, Murdoch Childrens Research Institute
Classification: Uncertain significance for Tuberous sclerosis 2. Last evaluated: 2024-11-08. Review status: criteria provided, single submitter. Criteria: ACMG Guidelines, 2015. Collection method: clinical testing. Allele origin: germline. Affected: yes.
Comment: This variant is classified as VUS-3B. Evidence in support of pathogenic classification: Non-canonical splice site variant without proven consequence on splicing (no functional evidence available); Variant is absent from gnomAD (v2, v3 and v4); Additional information: This variant is non-coding in an alternative transcript. The adjacent exon is spliced out in many alternative transcripts and has moderate junction expression for the inclusion of this exon in alternative transcripts (GTEx); This variant is heterozygous; This gene is associated with autosomal dominant disease; This variant has no previous evidence of pathogenicity; No published segregation evidence has been identified for this variant; No published functional evidence has been identified for this variant; Other non-canonical splice site variant(s) comparable to the one identified in this case have inconclusive previous evidence for pathogenicity. Two alternative changes, c.2966+4G>T and c.2966+4G>C, have been classified as VUS by clinical laboratories in ClinVar; In silico prediction for abnormal splicing are conflicting; Loss of function is a known mechanism of disease in this gene and is associated with tuberous sclerosis-2 (MIM#613254); Variants in this gene are known to have variable expressivity. Clinical manifestations demonstrate great phenotypic variability, where even within families the clinical symptoms can vary significantly among individuals (PMID: 31018109).

Literature cited by the submitters: PubMed 31018109.

NM_000548.5(TSC2):c.2966+4G>A

Gene: TSC2 (TSC complex subunit 2; plus strand). Cytogenetic location: 16p13.3.
Variant type: single nucleotide variant.
Coding change: c.2966+4G>A on transcript NM_000548.5 (MANE Select); 4 bases into the intron after coding-DNA position 2966, G replaced by A.
Molecular consequence: intron variant.
Genome position (GRCh38, 1-based): chr16:2,077,730, G>A. VCF-style: chr16-2077730-G-A. GRCh37 (hg19) VCF-style: chr16-2127731-G-A.
Other names: c.1493+1145G>A (NM_001406693.1, NM_001406690.1, NM_001406692.1 and 5 more transcripts); c.2927+1145G>A (NM_001406667.1, NM_001406668.1); c.2366+4G>A (NM_001406680.1, NM_001406683.1, NM_001406682.1 and 1 more transcripts); c.2237+1145G>A (NM_001406687.1, NM_001406685.1, NM_001318831.2 and 2 more transcripts); c.1622+4G>A (NM_001406689.1); c.1235+1145G>A (NM_001406698.1); c.2966+4G>A (NM_001114382.3, NM_001406663.1, NM_001406664.1); c.2837+1145G>A (NM_021055.3, NM_001370405.1, NM_001363528.2 and 3 more transcripts); and 8 more.
Identifiers: ClinVar variation 4531527 (VCV004531527.1).